The following is an entry in ClinVar:

ClinVar aggregate classification (germline): Uncertain significance (1 of 4 stars; one submission).

gnomAD v4.1: 7 of 1,606,984 alleles (0.00044%); highest among the groups gnomAD compares: Non-Finnish European, 0.00051%; no homozygotes.

Submission:

Labcorp Genetics (formerly Invitae), Labcorp
Classification: Uncertain significance. Last evaluated: 2025-07-24. Review status: criteria provided, single submitter. Criteria: Invitae Variant Classification Sherloc (09022015). Collection method: clinical testing. Allele origin: germline.
Comment: This sequence change replaces glycine, which is neutral and non-polar, with arginine, which is basic and polar, at codon 2509 of the KMT2C protein (p.Gly2509Arg). This variant is not present in population databases (gnomAD no frequency). This variant has not been reported in the literature in individuals affected with KMT2C-related conditions. Invitae Evidence Modeling of protein sequence and biophysical properties (such as structural, functional, and spatial information, amino acid conservation, physicochemical variation, residue mobility, and thermodynamic stability) indicates that this missense variant is expected to disrupt KMT2C protein function with a positive predictive value of 80%. In summary, the available evidence is currently insufficient to determine the role of this variant in disease. Therefore, it has been classified as a Variant of Uncertain Significance.

NM_170606.3(KMT2C):c.7525G>A (p.Gly2509Arg)

Gene: KMT2C (lysine methyltransferase 2C; minus strand). Cytogenetic location: 7q36.1.
Variant type: single nucleotide variant.
Coding change: c.7525G>A on transcript NM_170606.3 (MANE Select); coding-DNA position 7525, G replaced by A.
Protein change: p.Gly2509Arg; replaces glycine 2509 with arginine.
Molecular consequence: missense variant.
Genome position (GRCh38, 1-based): chr7:152,177,928, C>T on the plus strand (G>A on the coding strand, the complement: KMT2C is on the minus strand). VCF-style: chr7-152177928-C-T. GRCh37 (hg19) VCF-style: chr7-151875013-C-T.
Other names: short protein forms G2509R.
Identifiers: ClinVar variation 4754522 (VCV004754522.1).